The following is an entry in ClinVar:

ClinVar aggregate classification (germline): Conflicting classifications of pathogenicity. Review status: criteria provided, conflicting classifications (1 of 4 stars). 8 submissions from 8 submitters: Likely pathogenic (1); Uncertain significance (5). 2 of the submissions do not count toward it. Last evaluated 2026-01-22.

Conditions:
Familial ovarian cancer. Identifiers: MedGen C5679802, MONDO:0016248.
Hereditary cancer-predisposing syndrome. Also called: Tumor predisposition; Neoplastic Syndromes, Hereditary; Hereditary Cancer Syndrome; Hereditary neoplastic syndrome. Identifiers: Orphanet 140162, MedGen C0027672, MeSH D009386, MONDO:0015356.
Familial cancer of breast. Also called: Hereditary breast cancer; BREAST CANCER, FAMILIAL; hereditary breast carcinoma. Identifiers: Orphanet 227535, MedGen C0346153, MONDO:0016419, OMIM 114480. Disease mechanism: loss of function.

Submissions (8):

Myriad Genetics, Inc.
Classification: Likely pathogenic for Familial cancer of breast. Last evaluated: 2026-01-22. Review status: criteria provided, single submitter. Criteria: Myriad Autosomal Dominant, Autosomal Recessive and X-Linked Classification Criteria (2023). Collection method: clinical testing. Allele origin: unknown.
Comment: This variant is considered likely pathogenic. Functional studies indicate this variant impacts protein function [PMID: 37449874, 34903604]. This variant is expected to disrupt protein structure [Myriad internal data].

Labcorp Genetics (formerly Invitae), Labcorp
Classification: Uncertain significance for Familial cancer of breast. Last evaluated: 2026-01-11. Review status: criteria provided, single submitter. Criteria: Invitae Variant Classification Sherloc (09022015). Collection method: clinical testing. Allele origin: germline.
Comment: This sequence change replaces isoleucine, which is neutral and non-polar, with threonine, which is neutral and polar, at codon 160 of the CHEK2 protein (p.Ile160Thr). The frequency data for this variant in the population databases is considered unreliable, as metrics indicate poor data quality at this position in the gnomAD database. This missense change has been observed in individual(s) with prostate cancer (PMID: 32923906). This variant is also known as p.Ile203Thr. ClinVar contains an entry for this variant (Variation ID: 186900). An algorithm developed to predict the effect of missense changes on protein structure and function (PolyPhen-2) suggests that this variant is likely to be disruptive. Experimental studies have shown that this missense change affects CHEK2 function (PMID: 30851065). In summary, the available evidence is currently insufficient to determine the role of this variant in disease. Therefore, it has been classified as a Variant of Uncertain Significance.

Ambry Genetics
Classification: Uncertain significance for Hereditary cancer-predisposing syndrome. Last evaluated: 2025-12-17. Review status: criteria provided, single submitter. Criteria: Ambry Variant Classification Scheme 2023. Collection method: clinical testing. Allele origin: germline.
Comment: The p.I160T variant (also known as c.479T>C), located in coding exon 3 of the CHEK2 gene, results from a T to C substitution at nucleotide position 479. The isoleucine at codon 160 is replaced by threonine, an amino acid with similar properties. This alteration behaved as non-functional in an in vivo, yeast-based growth rate assay (Delimitsou A et al. Hum Mutat, 2019 05;40:631-648) and was reported as damaging in an mES cell-based assay of CHEK2 activity (Boonen RACM et al. Cancer Res, 2022 02;82:615-631). This alteration was also reported as functionally impaired in a study assessing CHEK2-complementation through quantification of KAP1 phosphorylation and CHK2 autophosphorylation in human RPE1-CHEK2-knockout cells (Stolarova L et al. Clin Cancer Res, 2023 Aug;29:3037-3050). Of note, this alteration is also known as c.608T>C in published literature. This amino acid position is well conserved in available vertebrate species. In addition, this alteration is predicted to be deleterious by in silico analysis. Based on the available evidence, the clinical significance of this variant remains unclear.

Women's Health and Genetics/Laboratory Corporation of America, LabCorp
Classification: Uncertain significance. Last evaluated: 2024-03-20. Review status: criteria provided, single submitter. Criteria: LabCorp Variant Classification Summary - May 2015. Collection method: clinical testing. Allele origin: germline.
Comment: Variant summary: CHEK2 c.479T>C (p.Ile160Thr) results in a non-conservative amino acid change located in the Forkhead-associated (FHA) domain (IPR000253) of the encoded protein sequence. Five of five in-silico tools predict a damaging effect of the variant on protein function. The variant allele was found at a frequency of 4e-06 in 251410 control chromosomes. The available data on variant occurrences in the general population are insufficient to allow any conclusion about variant significance. c.479T>C has been reported in the literature in individuals affected with Hereditary Breast And Ovarian Cancer Syndrome and Prostate Cancer, without evidence for causality. One publication reports experimental evidence indicating that the variant impairs DNA-damage repair in a yeast-based assay (Delimitsou_2019) and another indicates it is functionally impaired (Stolarova_2023), however additional evidence is needed to allow unequivocal conclusions about variant significance. The following publications have been ascertained in the context of this evaluation (PMID: 31398194, 32923906, 30851065, 21153778, 37449874). ClinVar contains an entry for this variant (Variation ID: 186900). Based on the evidence outlined above, the variant was classified as uncertain significance.

Color Diagnostics, LLC DBA Color Health
Classification: Uncertain significance for Hereditary cancer-predisposing syndrome. Last evaluated: 2024-02-21. Review status: criteria provided, single submitter. Criteria: ACMG Guidelines, 2015. Collection method: clinical testing. Allele origin: germline.
Comment: This missense variant replaces isoleucine with threonine at codon 160 of the CHEK2 protein. Computational prediction suggests that this variant may have deleterious impact on protein structure and function. Functional studies in mammalian cells have shown this variant impacts protein stability, KAP1 phosphorylation and CHEK2 autophosphorylation (PMID: 34903604, 37449874). A functional study in yeast showed this variant to have damaging effect on CHEK2 protein function (PMID: 30851065). this variant has been reported in individuals affected with breast or ovarian cancer (PMID: 32885271, 32923906, 37449874) and in at least one unaffected individual (PMID: 33471991 Leiden Open Variation Database DB-ID CHEK2_000528, 34903604). This variant has been identified in 1/251410 chromosomes in the general population by the Genome Aggregation Database (gnomAD). The available evidence is insufficient to determine the role of this variant in disease conclusively. Therefore, this variant is classified as a Variant of Uncertain Significance.

GeneDx
Classification: Uncertain significance. Last evaluated: 2020-11-11. Review status: criteria provided, single submitter. Criteria: GeneDx Variant Classification Process June 2021. Collection method: clinical testing. Allele origin: germline. Affected: yes.
Comment: Not observed at a significant frequency in large population cohorts (Lek et al., 2016); In silico analysis supports that this missense variant has a deleterious effect on protein structure/function; Published functional studies suggest a damaging effect: large decrease in growth rate after DNA damage compared to wildtype (Delimitsou 2019); This variant is associated with the following publications: (PMID: 31398194, 30851065, 21153778)

Counsyl
Classification: Uncertain significance for Familial cancer of breast. Last evaluated: 2016-10-05. Review status: no assertion criteria provided. Collection method: clinical testing. Allele origin: unknown. Not counted in ClinVar's aggregate classification.

Department of Pathology and Laboratory Medicine, Sinai Health System
Classification: Uncertain significance for Familial ovarian cancer. Review status: no assertion criteria provided. Collection method: clinical testing. Allele origin: unknown. Affected: yes. Study: The Canadian Open Genetics Repository (COGR). Not counted in ClinVar's aggregate classification.
Comment: The CHEK2 p.Ile160Thr variant was not identified in the literature. The variant was identified in dbSNP (ID: rs72552323) as "With Uncertain significance allele" and in ClinVar (classified as uncertain significance by Invitae, Ambry Genetics, Counsyl, GeneDx and Color). The variant was identified in control databases in 1 of 246208 chromosomes at a frequency of 0.000004 (Genome Aggregation Database Feb 27, 2017). The variant was observed in the European population in 1 of 111664 chromosomes (freq: 0.000009), while the variant was not observed in the African, Other, Latino, Ashkenazi Jewish, East Asian, Finnish, or South Asian populations. Although the p.Ile160 residue is not conserved in mammals and other organisms, 5 of 5 computational analyses (PolyPhen-2, SIFT, AlignGVGD, BLOSUM, MutationTaster) suggest that the variant may impact the protein. The variant occurs outside of the splicing consensus sequence and 1 of 4 in silico or computational prediction software programs (SpliceSiteFinder, MaxEntScan, NNSPLICE, GeneSplicer) predicts a greater than 10% difference in splicing; this is not very predictive of pathogenicity. In summary, based on the above information, the clinical significance of this variant cannot be determined with certainty at this time. This variant is classified as a variant of uncertain significance.

Literature cited by the submitters: PubMed 37449874 (cited by 4 submitters); PubMed 34903604 (cited by 3 submitters); PubMed 32923906 (cited by 4 submitters); PubMed 30851065 (cited by 4 submitters); PubMed 32885271 (cited by Ambry Genetics and Color Diagnostics, LLC DBA Color Health); PubMed 21153778 (cited by Women's Health and Genetics/Laboratory Corporation of America, LabCorp and Counsyl); PubMed 31398194 (cited by Women's Health and Genetics/Laboratory Corporation of America, LabCorp); PubMed 33471991 (cited by Color Diagnostics, LLC DBA Color Health).

NM_007194.4(CHEK2):c.479T>C (p.Ile160Thr)

Gene: CHEK2 (checkpoint kinase 2; minus strand). Cytogenetic location: 22q12.1.
Variant type: single nucleotide variant.
Coding change: c.479T>C on transcript NM_007194.4 (MANE Select); coding-DNA position 479, T replaced by C.
Protein change: p.Ile160Thr; replaces isoleucine 160 with threonine.
Molecular consequence: missense variant. On other transcripts: 5 prime UTR variant (2), intron variant (1).
Genome position (GRCh38, 1-based): chr22:28,725,090, A>G on the plus strand (T>C on the coding strand, the complement: CHEK2 is on the minus strand). VCF-style: chr22-28725090-A-G. GRCh37 (hg19) VCF-style: chr22-29121078-A-G.
Other names: c.608T>C, p.Ile203Thr (NM_001005735.3, NM_001438294.1); c.-299T>C (NM_001257387.3); c.-185T>C (NM_001437942.1); c.572T>C, p.Ile191Thr (NM_001438293.1, NM_001438295.1); c.479T>C, p.Ile160Thr (NM_145862.3); c.444+153T>C (NM_001349956.3); short protein forms I160T, I203T, I191T.
Identifiers: ClinVar variation 186900 (VCV000186900.33), dbSNP rs72552323, ClinGen allele CA196184.
Genomic context (GRCh38, chr22:28,725,090, plus strand): 5'-CGTTTTCCTTTCCCTACAAGCTCTGTATTTACAAAGGTTCCATTGCCACTGTGATCTTCT[A>G]TGTATGCAATGTAAGAGTTTTTAGGACCCACTTCCTAAAATAGAGAACATTTTGTTTCAG-3'
Protein context (NP_009125.1, residues 150-170): VGPKNSYIAY[Ile160Thr]EDHSGNGTFV